The following is an entry in ClinVar:

ClinVar aggregate classification (germline): Uncertain significance (1 of 4 stars; one submission).

Conditions:
LAMA2-related muscular dystrophy (LAMA2-RD). Also called: Laminin alpha 2-related dystrophy. Identifiers: MedGen C5679788, MONDO:0100228.

Allele frequency attached by ClinVar (database versions not stated): gnomAD 0.00001; TOPMed 0.00001.
gnomAD v4.1: 3 of 1,611,624 alleles (0.00019%); highest among the groups gnomAD compares: African/African-American, 0.0027%; no homozygotes.

Submission:

Labcorp Genetics (formerly Invitae), Labcorp
Classification: Uncertain significance for LAMA2-related muscular dystrophy. Last evaluated: 2022-02-10. Review status: criteria provided, single submitter. Criteria: Invitae Variant Classification Sherloc (09022015). Collection method: clinical testing. Allele origin: germline.
Comment: This sequence change replaces proline, which is neutral and non-polar, with threonine, which is neutral and polar, at codon 268 of the LAMA2 protein (p.Pro268Thr). This variant is present in population databases (no rsID available, gnomAD 0.01%). This variant has not been reported in the literature in individuals affected with LAMA2-related conditions. Advanced modeling of protein sequence and biophysical properties (such as structural, functional, and spatial information, amino acid conservation, physicochemical variation, residue mobility, and thermodynamic stability) performed at Invitae indicates that this missense variant is not expected to disrupt LAMA2 protein function. In summary, the available evidence is currently insufficient to determine the role of this variant in disease. Therefore, it has been classified as a Variant of Uncertain Significance.

NM_000426.4(LAMA2):c.802C>A (p.Pro268Thr)

Gene: LAMA2 (laminin subunit alpha 2; plus strand). Cytogenetic location: 6q22.33.
Variant type: single nucleotide variant.
Coding change: c.802C>A on transcript NM_000426.4 (MANE Select); coding-DNA position 802, C replaced by A.
Protein change: p.Pro268Thr; replaces proline 268 with threonine.
Molecular consequence: missense variant.
Genome position (GRCh38, 1-based): chr6:129,144,063, C>A. VCF-style: chr6-129144063-C-A. GRCh37 (hg19) VCF-style: chr6-129465208-C-A.
Other names: c.802C>A, p.Pro268Thr (NM_001079823.2); short protein forms P268T.
Identifiers: ClinVar variation 1433116 (VCV001433116.5), dbSNP rs1347606139, ClinGen allele CA365606215.